The following is an entry in ClinVar:

ClinVar aggregate classification (germline): Uncertain significance (1 of 4 stars; one submission).

Conditions:
Glycogen storage disease type III (GSD3). Also called: Cori disease; FORBES DISEASE. Identifiers: Orphanet 366, MedGen C0017922, MONDO:0009291, OMIM 232400.

gnomAD v4.1: 5 of 1,613,450 alleles (0.00031%); highest among the groups gnomAD compares: Non-Finnish European, 0.00025%; no homozygotes.

Submission:

Labcorp Genetics (formerly Invitae), Labcorp
Classification: Uncertain significance for Glycogen storage disease type III. Last evaluated: 2022-09-01. Review status: criteria provided, single submitter. Criteria: Invitae Variant Classification Sherloc (09022015). Collection method: clinical testing. Allele origin: germline.
Comment: ClinVar contains an entry for this variant (Variation ID: 1402623). In summary, the available evidence is currently insufficient to determine the role of this variant in disease. Therefore, it has been classified as a Variant of Uncertain Significance. Algorithms developed to predict the effect of missense changes on protein structure and function (SIFT, PolyPhen-2, Align-GVGD) all suggest that this variant is likely to be tolerated. This variant has not been reported in the literature in individuals affected with AGL-related conditions. This variant is present in population databases (rs147375385, gnomAD 0.0009%). This sequence change replaces cysteine, which is neutral and slightly polar, with serine, which is neutral and polar, at codon 1081 of the AGL protein (p.Cys1081Ser).

NM_000642.3(AGL):c.3242G>C (p.Cys1081Ser)

Gene: AGL (amylo-alpha-1,6-glucosidase and 4-alpha-glucanotransferase; plus strand). Cytogenetic location: 1p21.2.
Variant type: single nucleotide variant.
Coding change: c.3242G>C on transcript NM_000642.3 (MANE Select); coding-DNA position 3242, G replaced by C.
Protein change: p.Cys1081Ser; replaces cysteine 1081 with serine.
Molecular consequence: missense variant.
Genome position (GRCh38, 1-based): chr1:99,892,590, G>C. VCF-style: chr1-99892590-G-C. GRCh37 (hg19) VCF-style: chr1-100358146-G-C.
Other names: c.3242G>C, p.Cys1081Ser (NM_000644.3, NM_001425325.1, NM_000028.3 and 1 more transcripts); c.3194G>C, p.Cys1065Ser (NM_000646.3); c.3221G>C, p.Cys1074Ser (NM_001425326.1); c.3041G>C, p.Cys1014Ser (NM_001425327.1); c.3038G>C, p.Cys1013Ser (NM_001425328.1); c.2903G>C, p.Cys968Ser (NM_001425329.1); c.2864G>C, p.Cys955Ser (NM_001425332.1); short protein forms C1065S, C1081S, C1013S, C1014S, C1074S, C955S, C968S.
Identifiers: ClinVar variation 1402623 (VCV001402623.6), dbSNP rs147375385, ClinGen allele CA967007.